The following is an entry in ClinVar:

ClinVar aggregate classification (germline): Conflicting classifications of pathogenicity. Review status: criteria provided, conflicting classifications (1 of 4 stars). 6 submissions from 6 submitters: Uncertain significance (2); Likely benign (1). 3 of the submissions do not count toward it. Last evaluated 2024-10-23.

Conditions:
C9-related disorder. Also called: C9-related condition.

Allele frequency attached by ClinVar (database versions not stated): ESP Exome Variant Server 0.00008; gnomAD 0.00012 and 0.00019; TOPMed 0.00017; gnomAD exomes 0.00026 and 0.00041; ExAC 0.00042.
gnomAD v4.1: 423 of 1,613,426 alleles (0.026%); highest among the groups gnomAD compares: Middle Eastern, 0.3%; 2 homozygotes.

Submissions (6):

Blueprint Genetics
Classification: Likely benign. Last evaluated: 2024-10-23. Review status: criteria provided, single submitter. Criteria: ACMG Guidelines, 2015. Collection method: clinical testing. Allele origin: germline.

Labcorp Genetics (formerly Invitae), Labcorp
Classification: Uncertain significance. Last evaluated: 2022-08-23. Review status: criteria provided, single submitter. Criteria: Invitae Variant Classification Sherloc (09022015). Collection method: clinical testing. Allele origin: germline.
Comment: This sequence change replaces valine, which is neutral and non-polar, with methionine, which is neutral and non-polar, at codon 449 of the C9 protein (p.Val449Met). This variant is present in population databases (rs374259433, gnomAD 0.2%). This variant has not been reported in the literature in individuals affected with C9-related conditions. ClinVar contains an entry for this variant (Variation ID: 1285154). Algorithms developed to predict the effect of missense changes on protein structure and function output the following: SIFT: "Not Available"; PolyPhen-2: "Benign"; Align-GVGD: "Not Available". The methionine amino acid residue is found in multiple mammalian species, which suggests that this missense change does not adversely affect protein function. In summary, the available evidence is currently insufficient to determine the role of this variant in disease. Therefore, it has been classified as a Variant of Uncertain Significance.

Breakthrough Genomics
Classification: Uncertain significance. Review status: criteria provided, single submitter. Criteria: ACMG Guidelines, 2015. Collection method: not provided. Allele origin: germline. Inheritance: Autosomal dominant inheritance. Affected: yes.

PreventionGenetics, part of Exact Sciences
Classification: Likely benign for C9-related condition. Last evaluated: 2023-11-08. Review status: no assertion criteria provided. Collection method: clinical testing. Allele origin: germline. Not counted in ClinVar's aggregate classification.
Comment: This variant is classified as likely benign based on ACMG/AMP sequence variant interpretation guidelines (Richards et al. 2015 PMID: 25741868, with internal and published modifications).

Clinical Genetics DNA and cytogenetics Diagnostics Lab, Erasmus MC, Erasmus Medical Center
Classification: Likely benign. Review status: no assertion criteria provided. Collection method: clinical testing. Allele origin: germline. Affected: yes. Study: VKGL Data-share Consensus. Not counted in ClinVar's aggregate classification.

Genome Diagnostics Laboratory, University Medical Center Utrecht
Classification: Likely benign. Review status: no assertion criteria provided. Collection method: clinical testing. Allele origin: germline. Affected: yes. Study: VKGL Data-share Consensus. Not counted in ClinVar's aggregate classification.

NM_001737.5(C9):c.1345G>A (p.Val449Met)

Gene: C9 (complement C9; minus strand). Cytogenetic location: 5p13.1.
Variant type: single nucleotide variant.
Coding change: c.1345G>A on transcript NM_001737.5 (MANE Select); coding-DNA position 1345, G replaced by A.
Protein change: p.Val449Met; replaces valine 449 with methionine.
Molecular consequence: missense variant.
Genome position (GRCh38, 1-based): chr5:39,306,688, C>T on the plus strand (G>A on the coding strand, the complement: C9 is on the minus strand). VCF-style: chr5-39306688-C-T. GRCh37 (hg19) VCF-style: chr5-39306790-C-T.
Other names: c.1345G>A (NM_001737.4); short protein forms V449M.
Identifiers: ClinVar variation 1285154 (VCV001285154.11), dbSNP rs374259433, ClinGen allele CA3246726.
Genomic context (GRCh38, chr5:39,306,688, plus strand): 5'-TGAGAACAGGAGCATCATTTATGGAAGAGGCCCAGTTGACAAAGTCAGTCACATCAATCA[C>T]GGTTCCTCGGAGAAGCTTTTCTTTCAGTTCAAATGCATATTTTCTGGTTCCACCTCTTAT-3'
Protein context (NP_001728.1, residues 439-459): ELKEKLLRGT[Val449Met]IDVTDFVNWA